The following is an entry in ClinVar:

NM_006440.5(TXNRD2):c.89C>T (p.Ala30Val)

Genes: TXNRD2 (thioredoxin reductase 2; minus strand), LOC130066960 (ATAC-STARR-seq lymphoblastoid silent region 13467; plus strand). Cytogenetic location: 22q11.21.
Variant type: single nucleotide variant.
Coding change: c.89C>T on transcript NM_006440.5 (MANE Select); coding-DNA position 89, C replaced by T.
Protein change: p.Ala30Val; replaces alanine 30 with valine.
Molecular consequence: missense variant. On other transcripts: non-coding transcript variant (1).
Genome position (GRCh38, 1-based): chr22:19,941,715, G>A on the plus strand (C>T on the coding strand, the complement: TXNRD2 is on the minus strand). VCF-style: chr22-19941715-G-A. GRCh37 (hg19) VCF-style: chr22-19929238-G-A.
Other names: c.89C>T, p.Ala30Val (NM_001282512.3, NM_001352300.2); short protein forms A30V.
Identifiers: ClinVar variation 4763193 (VCV004763193.1).

ClinVar aggregate classification (germline): Uncertain significance (1 of 4 stars; one submission).

Conditions:
Primary dilated cardiomyopathy (DCM). Also called: Dilated Cardiomyopathy. Identifiers: Orphanet 217604, MedGen C0007193, MeSH D002311, MONDO:0005021, HP:0001644. Inheritance: Various modes of inheritance.

gnomAD v4.1: 3 of 1,483,922 alleles (0.0002%); highest among the groups gnomAD compares: Non-Finnish European, 0.00027%; no homozygotes.

Submission:

Labcorp Genetics (formerly Invitae), Labcorp
Classification: Uncertain significance for Primary dilated cardiomyopathy. Last evaluated: 2025-07-10. Review status: criteria provided, single submitter. Criteria: Invitae Variant Classification Sherloc (09022015). Collection method: clinical testing. Allele origin: germline.
Comment: This sequence change replaces alanine, which is neutral and non-polar, with valine, which is neutral and non-polar, at codon 30 of the TXNRD2 protein (p.Ala30Val). This variant is not present in population databases (gnomAD no frequency). This variant has not been reported in the literature in individuals affected with TXNRD2-related conditions. An algorithm developed to predict the effect of missense changes on protein structure and function (PolyPhen-2) suggests that this variant is likely to be tolerated. In summary, the available evidence is currently insufficient to determine the role of this variant in disease. Therefore, it has been classified as a Variant of Uncertain Significance.